The following is an entry in ClinVar:

NM_014049.5(ACAD9):c.1222A>G (p.Arg408Gly)

Gene: ACAD9 (acyl-CoA dehydrogenase family member 9; plus strand). Cytogenetic location: 3q21.3.
Variant type: single nucleotide variant.
Coding change: c.1222A>G on transcript NM_014049.5 (MANE Select); coding-DNA position 1222, A replaced by G.
Protein change: p.Arg408Gly; replaces arginine 408 with glycine.
Molecular consequence: missense variant. On other transcripts: non-coding transcript variant (1).
Genome position (GRCh38, 1-based): chr3:128,906,193, A>G. VCF-style: chr3-128906193-A-G. GRCh37 (hg19) VCF-style: chr3-128625036-A-G.
Other names: c.853A>G, p.Arg285Gly (NM_001410805.1); short protein forms R285G, R408G.
Identifiers: ClinVar variation 2155630 (VCV002155630.2), dbSNP rs1420423143, ClinGen allele CA354437171.

ClinVar aggregate classification (germline): Uncertain significance (1 of 4 stars; one submission).

Allele frequency attached by ClinVar (database versions not stated): gnomAD 0.00001; gnomAD exomes 0.00001; TOPMed 0.00001.
gnomAD v4.1: 12 of 1,614,074 alleles (0.00074%); highest among the groups gnomAD compares: Non-Finnish European, 0.001%; no homozygotes.

Submission:

Labcorp Genetics (formerly Invitae), Labcorp
Classification: Uncertain significance. Last evaluated: 2025-08-25. Review status: criteria provided, single submitter. Criteria: Invitae Variant Classification Sherloc (09022015). Collection method: clinical testing. Allele origin: germline.
Comment: This sequence change replaces arginine, which is basic and polar, with glycine, which is neutral and non-polar, at codon 408 of the ACAD9 protein (p.Arg408Gly). This variant is present in population databases (no rsID available, gnomAD 0.002%). This variant has not been reported in the literature in individuals affected with ACAD9-related conditions. ClinVar contains an entry for this variant (Variation ID: 2155630). Invitae Evidence Modeling of protein sequence and biophysical properties (such as structural, functional, and spatial information, amino acid conservation, physicochemical variation, residue mobility, and thermodynamic stability) indicates that this missense variant is not expected to disrupt ACAD9 protein function with a negative predictive value of 80%. In summary, the available evidence is currently insufficient to determine the role of this variant in disease. Therefore, it has been classified as a Variant of Uncertain Significance.